The following is an entry in ClinVar:

NM_203447.4(DOCK8):c.5222C>T (p.Thr1741Met)

Gene: DOCK8 (dedicator of cytokinesis 8; plus strand). Cytogenetic location: 9p24.3.
Variant type: single nucleotide variant.
Coding change: c.5222C>T on transcript NM_203447.4 (MANE Select); coding-DNA position 5222, C replaced by T.
Protein change: p.Thr1741Met; replaces threonine 1741 with methionine.
Molecular consequence: missense variant.
Genome position (GRCh38, 1-based): chr9:439,387, C>T. VCF-style: chr9-439387-C-T. GRCh37 (hg19) VCF-style: chr9-439387-C-T.
Other names: c.4922C>T, p.Thr1641Met (NM_001190458.2); c.5018C>T, p.Thr1673Met (NM_001193536.2); short protein forms T1641M, T1741M, T1673M.
Identifiers: ClinVar variation 645825 (VCV000645825.10), dbSNP rs767685216, ClinGen allele CA4959345.

ClinVar aggregate classification (germline): Uncertain significance (1 of 4 stars; one submission).

Allele frequency attached by ClinVar (database versions not stated): gnomAD exomes 0.00001; TOPMed below 0.00001.
gnomAD v4.1: 16 of 1,612,966 alleles (0.00099%); highest among the groups gnomAD compares: South Asian, 0.0022%; no homozygotes.

Submission:

Labcorp Genetics (formerly Invitae), Labcorp
Classification: Uncertain significance for Combined immunodeficiency due to DOCK8 deficiency. Last evaluated: 2024-02-23. Review status: criteria provided, single submitter. Criteria: Invitae Variant Classification Sherloc (09022015). Collection method: clinical testing. Allele origin: germline.
Comment: This sequence change replaces threonine, which is neutral and polar, with methionine, which is neutral and non-polar, at codon 1741 of the DOCK8 protein (p.Thr1741Met). The frequency data for this variant in the population databases is considered unreliable, as metrics indicate poor data quality at this position in the gnomAD database. This variant has not been reported in the literature in individuals affected with DOCK8-related conditions. ClinVar contains an entry for this variant (Variation ID: 645825). An algorithm developed to predict the effect of missense changes on protein structure and function (PolyPhen-2) suggests that this variant is likely to be disruptive. In summary, the available evidence is currently insufficient to determine the role of this variant in disease. Therefore, it has been classified as a Variant of Uncertain Significance.